The following is an entry in ClinVar:

ClinVar aggregate classification (germline): Uncertain significance (1 of 4 stars; one submission).

Conditions:
Kabuki syndrome 2 (KABUK2). Also called: KDM6A-Related Kabuki Syndrome. Identifiers: Orphanet 2322, MedGen C3275495, MONDO:0010465, OMIM 300867.

Submission:

Labcorp Genetics (formerly Invitae), Labcorp
Classification: Uncertain significance for Kabuki syndrome 2. Last evaluated: 2024-04-14. Review status: criteria provided, single submitter. Criteria: Invitae Variant Classification Sherloc (09022015). Collection method: clinical testing. Allele origin: germline.
Comment: This sequence change replaces methionine, which is neutral and non-polar, with threonine, which is neutral and polar, at codon 1384 of the KDM6A protein (p.Met1384Thr). This variant is present in population databases (rs764024897, gnomAD 0.01%). This variant has not been reported in the literature in individuals affected with KDM6A-related conditions. Advanced modeling of protein sequence and biophysical properties (such as structural, functional, and spatial information, amino acid conservation, physicochemical variation, residue mobility, and thermodynamic stability) performed at Invitae indicates that this missense variant is not expected to disrupt KDM6A protein function with a negative predictive value of 80%. In summary, the available evidence is currently insufficient to determine the role of this variant in disease. Therefore, it has been classified as a Variant of Uncertain Significance.

NM_001291415.2(KDM6A):c.4307T>C (p.Met1436Thr)

Gene: KDM6A (lysine demethylase 6A; plus strand). Cytogenetic location: Xp11.3.
Variant type: single nucleotide variant.
Coding change: c.4307T>C on transcript NM_001291415.2 (MANE Select); coding-DNA position 4307, T replaced by C.
Protein change: p.Met1436Thr; replaces methionine 1436 with threonine.
Molecular consequence: missense variant. On other transcripts: non-coding transcript variant (1).
Genome position (GRCh38, 1-based): chrX:45,110,224, T>C. VCF-style: chrX-45110224-T-C. GRCh37 (hg19) VCF-style: chrX-44969469-T-C.
Other names: c.4172T>C, p.Met1391Thr (NM_001291416.2); c.4016T>C, p.Met1339Thr (NM_001291417.2); c.3914T>C, p.Met1305Thr (NM_001291418.2); c.3263T>C, p.Met1088Thr (NM_001291421.2); c.4049T>C, p.Met1350Thr (NM_001410742.1); c.4415T>C, p.Met1472Thr (NM_001419809.1); c.4313T>C, p.Met1438Thr (NM_001419810.1); c.4280T>C, p.Met1427Thr (NM_001419811.1); and 5 more; short protein forms M1386T, M1391T, M1427T, M1350T, M1420T, M1088T, M1339T, M1384T.
Identifiers: ClinVar variation 3644520 (VCV003644520.2).